The following is an entry in ClinVar:

NM_001367721.1(CASK):c.290C>A (p.Ala97Glu)

Gene: CASK (calcium/calmodulin dependent serine protein kinase; minus strand). Cytogenetic location: Xp11.4.
Variant type: single nucleotide variant.
Coding change: c.290C>A on transcript NM_001367721.1 (MANE Select); coding-DNA position 290, C replaced by A.
Protein change: p.Ala97Glu; replaces alanine 97 with glutamic acid.
Molecular consequence: missense variant.
Genome position (GRCh38, 1-based): chrX:41,745,590, G>T on the plus strand (C>A on the coding strand, the complement: CASK is on the minus strand). VCF-style: chrX-41745590-G-T. GRCh37 (hg19) VCF-style: chrX-41604843-G-T.
Other names: c.290C>A, p.Ala97Glu (NM_001126054.3, NM_001126055.3, NM_001410745.1 and 1 more transcripts); short protein forms A97E.
Identifiers: ClinVar variation 986017 (VCV000986017.4), dbSNP rs2068673777, ClinGen allele CA413003115.

ClinVar aggregate classification (germline): Uncertain significance (1 of 4 stars; one submission).

Conditions:
Inborn genetic diseases. Identifiers: MedGen C0950123, MeSH D030342.

Submission:

Ambry Genetics
Classification: Uncertain significance for Inborn genetic diseases. Last evaluated: 2020-06-04. Review status: criteria provided, single submitter. Criteria: Ambry Variant Classification Scheme 2023. Collection method: clinical testing. Allele origin: germline.
Comment: The alteration results in an amino acid change:_x000D_ _x000D_ The c.290C>A (p.A97E) alteration is located in coding exon 4 of the CASK gene. This alteration results from a C to A substitution at nucleotide position 290, causing the alanine (A) at amino acid position 97 to be replaced by a glutamic acid (E). The alteration is not observed in population databases: _x000D_ _x000D_ Based on data from the Genome Aggregation Database (gnomAD), the CASK c.290C>A alteration was not observed, with coverage at this position. The altered amino acid is conserved throughout evolution:_x000D_ _x000D_ The A97 amino acid is conserved in available vertebrate species. in silico prediction is inconclusive:_x000D_ _x000D_ The in silico prediction for the A97E alteration is inconclusive. Based on insufficient or conflicting evidence, the clinical significance of this alteration remains unclear.